The following is an entry in ClinVar:

NM_001162501.2(TNRC6B):c.3068C>T (p.Thr1023Ile)

Gene: TNRC6B (trinucleotide repeat containing adaptor 6B; plus strand). Cytogenetic location: 22q13.1.
Variant type: single nucleotide variant.
Coding change: c.3068C>T on transcript NM_001162501.2 (MANE Select); coding-DNA position 3068, C replaced by T.
Protein change: p.Thr1023Ile; replaces threonine 1023 with isoleucine.
Molecular consequence: missense variant.
Genome position (GRCh38, 1-based): chr22:40,273,527, C>T. VCF-style: chr22-40273527-C-T. GRCh37 (hg19) VCF-style: chr22-40669531-C-T.
Other names: c.827C>T, p.Thr276Ile (NM_001024843.2); c.2909C>T, p.Thr970Ile (NM_015088.3); short protein forms T1023I, T276I, T970I.
Identifiers: ClinVar variation 3573688 (VCV003573688.1).
Genomic context (GRCh38, chr22:40,273,527, plus strand): 5'-CAGTCACAGGAGCTCGCCATCCCAGCTGGGAAGAGGAGGAGGATGGAGGAGTCTGGAACA[C>T]CACTGGCTCTCAGGGCAGTGCTTCCTCCCACAACTCAGCAAGCTGGGGACAAGGAGGAAA-3'
Protein context (NP_001155973.1, residues 1013-1033): EEEEDGGVWN[Thr1023Ile]TGSQGSASSH

ClinVar aggregate classification (germline): Uncertain significance (1 of 4 stars; one submission).

Submission:

GeneDx
Classification: Uncertain significance. Last evaluated: 2024-07-16. Review status: criteria provided, single submitter. Criteria: GeneDx Variant Classification Process June 2021. Collection method: clinical testing. Allele origin: germline. Affected: yes.
Comment: Not observed at significant frequency in large population cohorts (gnomAD); In silico analysis supports that this missense variant has a deleterious effect on protein structure/function; Has not been previously published as pathogenic or benign to our knowledge